The following is an entry in ClinVar:

NM_000053.4(ATP7B):c.1162C>G (p.Gln388Glu)

Gene: ATP7B (ATPase copper transporting beta; minus strand). Cytogenetic location: 13q14.3.
Variant type: single nucleotide variant.
Coding change: c.1162C>G on transcript NM_000053.4 (MANE Select); coding-DNA position 1162, C replaced by G.
Protein change: p.Gln388Glu; replaces glutamine 388 with glutamic acid.
Molecular consequence: missense variant.
Genome position (GRCh38, 1-based): chr13:51,974,058, G>C on the plus strand (C>G on the coding strand, the complement: ATP7B is on the minus strand). VCF-style: chr13-51974058-G-C. GRCh37 (hg19) VCF-style: chr13-52548194-G-C.
Other names: c.1162C>G, p.Gln388Glu (NM_001406528.1, NM_001406526.1, NM_001406527.1 and 29 more transcripts); c.1066C>G, p.Gln356Glu (NM_001406530.1, NM_001406517.1, NM_001406518.1 and 3 more transcripts); c.829C>G, p.Gln277Glu (NM_001243182.2); c.733C>G, p.Gln245Glu (NM_001406539.1); short protein forms Q245E, Q277E, Q356E, Q388E.
Identifiers: ClinVar variation 3071748 (VCV003071748.2), dbSNP rs187209079, ClinGen allele CA388038636.

ClinVar aggregate classification (germline): Uncertain significance. Review status: criteria provided, multiple submitters, no conflicts (2 of 4 stars). 2 submissions from 2 submitters: Uncertain significance (2). Last evaluated 2023-12-29.

Conditions:
Wilson disease (WND). Also called: Wilson's disease. Identifiers: Orphanet 905, MedGen C0019202, MONDO:0010200, OMIM 277900. Disease mechanism: loss of function.

gnomAD v4.1: 1 of 1,614,196 alleles (0.000062%); highest among the groups gnomAD compares: East Asian, 0.0022%; no homozygotes.

Submissions (2):

Fulgent Genetics
Classification: Uncertain significance for Wilson disease. Last evaluated: 2023-12-29. Review status: criteria provided, single submitter. Criteria: ACMG Guidelines, 2015. Collection method: clinical testing. Allele origin: germline.

All of Us Research Program, National Institutes of Health
Classification: Uncertain significance for Wilson disease. Last evaluated: 2023-06-28. Review status: criteria provided, single submitter. Criteria: ACMG Guidelines, 2015. Collection method: clinical testing. Allele origin: germline. Inheritance: Autosomal recessive inheritance. Observed: 1 variant allele, 1 heterozygote.
Comment: This study involves interpretation of variants in research participants for the purpose of population health screening. Participant phenotype was not available at the time of variant classification. Additional details can be found in publication PMID: 35346344, PMCID: PMC8962531